The following is an entry in ClinVar:

NM_000355.4(TCN2):c.886C>G (p.Leu296Val)

Gene: TCN2 (transcobalamin 2; plus strand). Cytogenetic location: 22q12.2.
Variant type: single nucleotide variant.
Coding change: c.886C>G on transcript NM_000355.4 (MANE Select); coding-DNA position 886, C replaced by G.
Protein change: p.Leu296Val; replaces leucine 296 with valine.
Molecular consequence: missense variant.
Genome position (GRCh38, 1-based): chr22:30,615,733, C>G. VCF-style: chr22-30615733-C-G. GRCh37 (hg19) VCF-style: chr22-31011720-C-G.
Other names: c.805C>G, p.Leu269Val (NM_001184726.2); short protein forms L296V, L269V.
Identifiers: ClinVar variation 2117388 (VCV002117388.4), dbSNP rs553954429, ClinGen allele CA10184871.
Genomic context (GRCh38, chr22:30,615,733, plus strand): 5'-GCCAGTCTGCAGGATGGAGCCTTCCAGAATGCTCTCATGATTTCCCAGCTGCTGCCCGTT[C>G]TGAACCACAAGACCTACATTGATCTGATCTTCCCAGACTGTCTGGCACCACGAGGTAGCC-3'
Protein context (NP_000346.2, residues 286-306): ALMISQLLPV[Leu296Val]NHKTYIDLIF

ClinVar aggregate classification (germline): Uncertain significance (1 of 4 stars; one submission).

Conditions:
Transcobalamin II deficiency (TCN2D). Also called: Transcolabamin II deficiency; TC II DEFICIENCY; TCN2 DEFICIENCY. Identifiers: Orphanet 859, MedGen C0342701, MONDO:0010149, OMIM 275350.

Allele frequency attached by ClinVar (database versions not stated): ExAC 0.00001; gnomAD 0.00001; 1000 Genomes Project 30x 0.00016; 1000 Genomes Project 0.00020.

Submission:

Labcorp Genetics (formerly Invitae), Labcorp
Classification: Uncertain significance for Transcobalamin II deficiency. Last evaluated: 2022-03-26. Review status: criteria provided, single submitter. Criteria: Invitae Variant Classification Sherloc (09022015). Collection method: clinical testing. Allele origin: germline.
Comment: This variant has not been reported in the literature in individuals affected with TCN2-related conditions. This variant is present in population databases (rs553954429, gnomAD 0.003%). This sequence change replaces leucine, which is neutral and non-polar, with valine, which is neutral and non-polar, at codon 296 of the TCN2 protein (p.Leu296Val). In summary, the available evidence is currently insufficient to determine the role of this variant in disease. Therefore, it has been classified as a Variant of Uncertain Significance. Algorithms developed to predict the effect of missense changes on protein structure and function (SIFT, PolyPhen-2, Align-GVGD) all suggest that this variant is likely to be disruptive.